The following is an entry in ClinVar:

ClinVar aggregate classification (germline): Uncertain significance. Review status: criteria provided, multiple submitters, no conflicts (2 of 4 stars). 2 submissions from 2 submitters: Uncertain significance (2). Last evaluated 2025-11-22.

Conditions:
Hereditary cancer-predisposing syndrome. Also called: Neoplastic Syndromes, Hereditary; Tumor predisposition; Hereditary Cancer Syndrome; Hereditary neoplastic syndrome. Identifiers: Orphanet 140162, MedGen C0027672, MeSH D009386, MONDO:0015356.
Bloom syndrome (BLM). Also called: Bloom-Torre-Machacek syndrome. Identifiers: Orphanet 125, MedGen C0005859, MONDO:0008876, OMIM 210900.

Allele frequency attached by ClinVar (database versions not stated): ExAC 0.00001; gnomAD exomes 0.00001.
gnomAD v4.1: 4 of 1,612,434 alleles (0.00025%); highest among the groups gnomAD compares: South Asian, 0.0044%; no homozygotes.

Submissions (2):

Labcorp Genetics (formerly Invitae), Labcorp
Classification: Uncertain significance for Bloom syndrome. Last evaluated: 2025-11-22. Review status: criteria provided, single submitter. Criteria: Invitae Variant Classification Sherloc (09022015). Collection method: clinical testing. Allele origin: germline.
Comment: This sequence change replaces proline, which is neutral and non-polar, with alanine, which is neutral and non-polar, at codon 287 of the BLM protein (p.Pro287Ala). This variant is present in population databases (rs746748670, gnomAD 0.01%). This variant has not been reported in the literature in individuals affected with BLM-related conditions. ClinVar contains an entry for this variant (Variation ID: 1763972). Invitae Evidence Modeling of protein sequence and biophysical properties (such as structural, functional, and spatial information, amino acid conservation, physicochemical variation, residue mobility, and thermodynamic stability) indicates that this missense variant is not expected to disrupt BLM protein function with a negative predictive value of 80%. In summary, the available evidence is currently insufficient to determine the role of this variant in disease. Therefore, it has been classified as a Variant of Uncertain Significance.

Ambry Genetics
Classification: Uncertain significance for Hereditary cancer-predisposing syndrome. Last evaluated: 2021-11-02. Review status: criteria provided, single submitter. Criteria: Ambry Variant Classification Scheme 2023. Collection method: clinical testing. Allele origin: germline.
Comment: The p.P287A variant (also known as c.859C>G), located in coding exon 3 of the BLM gene, results from a C to G substitution at nucleotide position 859. The proline at codon 287 is replaced by alanine, an amino acid with highly similar properties. This amino acid position is conserved. In addition, this alteration is predicted to be tolerated by in silico analysis. Since supporting evidence is limited at this time, the clinical significance of this alteration remains unclear.

NM_000057.4(BLM):c.859C>G (p.Pro287Ala)

Gene: BLM (BLM RecQ like helicase; plus strand). Cytogenetic location: 15q26.1.
Variant type: single nucleotide variant.
Coding change: c.859C>G on transcript NM_000057.4 (MANE Select); coding-DNA position 859, C replaced by G.
Protein change: p.Pro287Ala; replaces proline 287 with alanine.
Molecular consequence: missense variant. On other transcripts: 5 prime UTR variant (1).
Genome position (GRCh38, 1-based): chr15:90,751,846, C>G. VCF-style: chr15-90751846-C-G. GRCh37 (hg19) VCF-style: chr15-91295076-C-G.
Other names: c.859C>G, p.Pro287Ala (NM_001287246.2, NM_001287247.2); c.-433C>G (NM_001287248.2); short protein forms P287A.
Identifiers: ClinVar variation 1763972 (VCV001763972.3), dbSNP rs746748670, ClinGen allele CA7738378.
Genomic context (GRCh38, chr15:90,751,846, plus strand): 5'-GATAATAGCGAAAAGAAGAAGAATTTGGAAGAAGCTGAATTACATTCAACTGAGAAAGTT[C>G]CATGTATTGAATTTGATGATGATGATTATGATACGGATTTTGTTCCACCTTCTCCAGAAG-3'
Protein context (NP_000048.1, residues 277-297): EAELHSTEKV[Pro287Ala]CIEFDDDDYD